The following is an entry in ClinVar:

ClinVar aggregate classification (germline): Uncertain significance (1 of 4 stars; one submission).

Conditions:
Walker-Warburg congenital muscular dystrophy. Also called: Muscular dystrophy-dystroglycanopathy, type A; Walker-Warburg syndrome. Identifiers: Orphanet 899, MedGen C0265221, MONDO:0000171.

Submission:

Labcorp Genetics (formerly Invitae), Labcorp
Classification: Uncertain significance for Walker-Warburg congenital muscular dystrophy. Last evaluated: 2020-03-05. Review status: criteria provided, single submitter. Criteria: Invitae Variant Classification Sherloc (09022015). Collection method: clinical testing. Allele origin: germline.
Comment: This sequence change replaces valine with alanine at codon 363 of the FKRP protein (p.Val363Ala). The valine residue is highly conserved and there is a small physicochemical difference between valine and alanine. This variant is not present in population databases (ExAC no frequency). This variant has not been reported in the literature in individuals with FKRP-related conditions. Algorithms developed to predict the effect of missense changes on protein structure and function are either unavailable or do not agree on the potential impact of this missense change (SIFT: "Deleterious"; PolyPhen-2: "Probably Damaging"; Align-GVGD: "Class C0"). In summary, the available evidence is currently insufficient to determine the role of this variant in disease. Therefore, it has been classified as a Variant of Uncertain Significance.

NM_024301.5(FKRP):c.1088T>C (p.Val363Ala)

Gene: FKRP (fukutin related protein; plus strand). Cytogenetic location: 19q13.32.
Variant type: single nucleotide variant.
Coding change: c.1088T>C on transcript NM_024301.5 (MANE Select); coding-DNA position 1088, T replaced by C.
Protein change: p.Val363Ala; replaces valine 363 with alanine.
Molecular consequence: missense variant.
Genome position (GRCh38, 1-based): chr19:46,756,538, T>C. VCF-style: chr19-46756538-T-C. GRCh37 (hg19) VCF-style: chr19-47259795-T-C.
Other names: c.1088T>C, p.Val363Ala (NM_001039885.3); short protein forms V363A.
Identifiers: ClinVar variation 1037593 (VCV001037593.7), dbSNP rs2054930160, ClinGen allele CA406496623.
Genomic context (GRCh38, chr19:46,756,538, plus strand): 5'-AGGGCGGCTCACTGCTGGGGGCCGCCCGCCACGGGGACATCATCCCATGGGACTACGACG[T>C]GGACCTGGGCATCTACTTGGAGGACGTGGGCAACTGCGAGCAGCTGCGGGGGGCAGAGGC-3'
Protein context (NP_077277.1, residues 353-373): HGDIIPWDYD[Val363Ala]DLGIYLEDVG